The following is an entry in ClinVar:

NM_005188.4(CBL):c.1546C>T (p.Leu516Phe)

Gene: CBL (Cbl proto-oncogene; plus strand). Cytogenetic location: 11q23.3.
Variant type: single nucleotide variant.
Coding change: c.1546C>T on transcript NM_005188.4 (MANE Select); coding-DNA position 1546, C replaced by T.
Protein change: p.Leu516Phe; replaces leucine 516 with phenylalanine.
Molecular consequence: missense variant.
Genome position (GRCh38, 1-based): chr11:119,285,083, C>T. VCF-style: chr11-119285083-C-T. GRCh37 (hg19) VCF-style: chr11-119155793-C-T.
Other names: short protein forms L516F.
Identifiers: ClinVar variation 4868208 (VCV004868208.1).

ClinVar aggregate classification (germline): Uncertain significance (1 of 4 stars; one submission).

Conditions:
Cardiovascular phenotype. Identifiers: MedGen CN230736.

Submission:

Ambry Genetics
Classification: Uncertain significance for Cardiovascular phenotype. Last evaluated: 2026-03-28. Review status: criteria provided, single submitter. Criteria: Ambry Variant Classification Scheme 2023. Collection method: clinical testing. Allele origin: germline.
Comment: The p.L516F variant (also known as c.1546C>T), located in coding exon 10 of the CBL gene, results from a C to T substitution at nucleotide position 1546. The leucine at codon 516 is replaced by phenylalanine, an amino acid with highly similar properties. This amino acid position is conserved. In addition, this alteration is predicted to be tolerated by in silico analysis. Based on the available evidence, the clinical significance of this variant remains unclear.